The following is an entry in ClinVar:

ClinVar aggregate classification (germline): Likely benign (1 of 4 stars; one submission).

Conditions:
PDE6B-related disorder. Also called: PDE6B-related disease; PDE6B-related condition; PDE6B-related disorders.

gnomAD v4.1: 28 of 1,605,402 alleles (0.0017%); highest among the groups gnomAD compares: Admixed American, 0.022%; no homozygotes.

Submission:

PreventionGenetics, part of Exact Sciences
Classification: Likely benign for PDE6B-related condition. Last evaluated: 2025-05-17. Review status: criteria provided, single submitter. Criteria: ACMG Guidelines, 2015. Collection method: clinical testing. Allele origin: germline.
Comment: This variant is classified as likely benign based on ACMG/AMP sequence variant interpretation guidelines (Richards et al. 2015 PMID: 25741868, with internal and published modifications).

NM_000283.4(PDE6B):c.2130-24C>T

Gene: PDE6B (phosphodiesterase 6B; plus strand). Cytogenetic location: 4p16.3.
Variant type: single nucleotide variant.
Coding change: c.2130-24C>T on transcript NM_000283.4 (MANE Select); 24 bases into the intron before coding-DNA position 2130, C replaced by T.
Molecular consequence: intron variant.
Genome position (GRCh38, 1-based): chr4:664,857, C>T. VCF-style: chr4-664857-C-T. GRCh37 (hg19) VCF-style: chr4-658646-C-T.
Other names: c.2130-24C>T (NM_001145291.2, NM_001440547.1, NM_001440548.1); c.1293-24C>T (NM_001379246.1, NM_001379247.1, NM_001145292.2 and 1 more transcripts); c.975-24C>T (NM_001350155.3).
Identifiers: ClinVar variation 4981144 (VCV004981144.1).